The following is an entry in ClinVar:

NM_000179.3(MSH6):c.4039G>C (p.Ala1347Pro)

Gene: MSH6 (mutS homolog 6; plus strand). Cytogenetic location: 2p16.3.
Variant type: single nucleotide variant.
Coding change: c.4039G>C on transcript NM_000179.3 (MANE Select); coding-DNA position 4039, G replaced by C.
Protein change: p.Ala1347Pro; replaces alanine 1347 with proline.
Molecular consequence: missense variant.
Genome position (GRCh38, 1-based): chr2:47,806,816, G>C. VCF-style: chr2-47806816-G-C. GRCh37 (hg19) VCF-style: chr2-48033955-G-C.
Other names: p.A1347P:GCT>CCT; c.3649G>C, p.Ala1217Pro (NM_001281492.2); c.3133G>C, p.Ala1045Pro (NM_001281493.2, NM_001281494.2); short protein forms A1347P, A1045P, A1217P.
Identifiers: ClinVar variation 182650 (VCV000182650.36), dbSNP rs730881809, ClinGen allele CA015325.

ClinVar aggregate classification (germline): Conflicting classifications of pathogenicity. Review status: criteria provided, conflicting classifications (1 of 4 stars). 11 submissions from 11 submitters: Uncertain significance (9); Likely benign (1). 1 of the submissions does not count toward it. Last evaluated 2026-03-18.

Conditions:
Hereditary nonpolyposis colorectal neoplasms. Identifiers: MedGen C0009405, MeSH D003123.
Breast and/or ovarian cancer. Identifiers: MedGen CN221562.
Hereditary cancer-predisposing syndrome. Also called: Tumor predisposition; Hereditary Cancer Syndrome; Hereditary neoplastic syndrome; Neoplastic Syndromes, Hereditary. Identifiers: Orphanet 140162, MedGen C0027672, MeSH D009386, MONDO:0015356.
Lynch syndrome. Identifiers: Orphanet 144, MedGen C4552100, MONDO:0005835. Disease mechanism: loss of function.
Lynch syndrome 5 (LYNCH5). Also called: Hereditary non-polyposis colorectal cancer, type 5; Colorectal cancer, hereditary nonpolyposis, type 5. Identifiers: Orphanet 144, MedGen C1833477, MONDO:0013710, OMIM 614350. Disease mechanism: loss of function.
Endometrial carcinoma. Also called: Endometrial carcinoma, somatic. Identifiers: MedGen C0476089, MONDO:0002447, OMIM 608089, HP:0012114.

Allele frequency attached by ClinVar (database versions not stated): gnomAD 0.00001; TOPMed 0.00001; gnomAD exomes below 0.00001.
gnomAD v4.1: 4 of 1,609,256 alleles (0.00025%); highest among the groups gnomAD compares: Non-Finnish European, 0.00034%; no homozygotes.

Submissions (11):

Ambry Genetics
Classification: Uncertain significance for Hereditary cancer-predisposing syndrome. Last evaluated: 2026-03-18. Review status: criteria provided, single submitter. Criteria: Ambry Variant Classification Scheme 2023. Collection method: clinical testing. Allele origin: germline.
Comment: The p.A1347P variant (also known as c.4039G>C), located in coding exon 10 of the MSH6 gene, results from a G to C substitution at nucleotide position 4039. The alanine at codon 1347 is replaced by proline, an amino acid with highly similar properties. This amino acid position is not well conserved in available vertebrate species. In addition, the in silico prediction for this alteration is inconclusive. Based on the available evidence, the clinical significance of this variant remains unclear.

Labcorp Genetics (formerly Invitae), Labcorp
Classification: Likely benign for Hereditary nonpolyposis colorectal neoplasms. Last evaluated: 2026-01-25. Review status: criteria provided, single submitter. Criteria: Invitae Variant Classification Sherloc (09022015). Collection method: clinical testing. Allele origin: germline.

GeneDx
Classification: Uncertain significance. Last evaluated: 2025-09-25. Review status: criteria provided, single submitter. Criteria: GeneDx Variant Classification Process June 2021. Collection method: clinical testing. Allele origin: germline. Affected: yes.
Comment: Not observed at significant frequency in large population cohorts (gnomAD); In silico analysis suggests that this missense variant does not alter protein structure/function; Has not been previously published as pathogenic or benign to our knowledge; This variant is associated with the following publications: (PMID: 17531815, 21120944, 12019211)

Quest Diagnostics Nichols Institute San Juan Capistrano
Classification: Uncertain significance. Last evaluated: 2024-12-26. Review status: criteria provided, single submitter. Criteria: Quest Diagnostics criteria. Collection method: clinical testing. Allele origin: unknown.
Comment: The MSH6 c.4039G>C (p.Ala1347Pro) variant has not been reported in individuals with MSH6-related conditions in the published literature. The frequency of this variant in the general population (Genome Aggregation Database) is uninformative in the assessment of its pathogenicity. Analysis of this variant using bioinformatics tools for the prediction of the effect of amino acid changes on protein structure and function yielded predictions that this variant is benign. Based on the available information, we are unable to determine the clinical significance of this variant.

All of Us Research Program, National Institutes of Health
Classification: Uncertain significance for Lynch syndrome. Last evaluated: 2024-09-23. Review status: criteria provided, single submitter. Criteria: ACMG Guidelines, 2015. Collection method: clinical testing. Allele origin: germline. Inheritance: Autosomal dominant inheritance. Observed: 7 variant alleles, 7 heterozygotes.
Comment: This missense variant replaces alanine with proline at codon 1347 of the MSH6 protein. Computational prediction suggests that this variant may not impact protein structure and function (internally defined REVEL score threshold <= 0.5, PMID: 27666373). To our knowledge, functional studies have not been reported for this variant. This variant has not been reported in individuals affected with MSH6-related disorders in the literature. This variant has been identified in 1/250856 chromosomes in the general population by the Genome Aggregation Database (gnomAD). The available evidence is insufficient to determine the role of this variant in disease conclusively. Therefore, this variant is classified as a Variant of Uncertain Significance.

This study involves interpretation of variants in research participants for the purpose of population health screening. Participant phenotype was not available at the time of variant classification. Additional details can be found in publication PMID: 35346344, PMCID: PMC8962531

Color Diagnostics, LLC DBA Color Health
Classification: Uncertain significance for Hereditary cancer-predisposing syndrome. Last evaluated: 2024-03-06. Review status: criteria provided, single submitter. Criteria: ACMG Guidelines, 2015. Collection method: clinical testing. Allele origin: germline.
Comment: This missense variant replaces alanine with proline at codon 1347 of the MSH6 protein. Computational prediction suggests that this variant may not impact protein structure and function (internally defined REVEL score threshold <= 0.5, PMID: 27666373). To our knowledge, functional studies have not been reported for this variant. This variant has not been reported in individuals affected with MSH6-related disorders in the literature. This variant has been identified in 1/250856 chromosomes in the general population by the Genome Aggregation Database (gnomAD). The available evidence is insufficient to determine the role of this variant in disease conclusively. Therefore, this variant is classified as a Variant of Uncertain Significance.

Baylor Genetics
Classification: Uncertain significance for Endometrial carcinoma. Last evaluated: 2023-10-16. Review status: criteria provided, single submitter. Criteria: ACMG Guidelines, 2015. Collection method: clinical testing. Allele origin: unknown.

Myriad Genetics, Inc.
Classification: Uncertain significance for Lynch syndrome 5. Last evaluated: 2023-03-29. Review status: criteria provided, single submitter. Criteria: Myriad Autosomal Dominant, Autosomal Recessive and X-Linked Classification Criteria (2023). Collection method: clinical testing. Allele origin: unknown.
Comment: This variant is classified as a variant of uncertain significance as there is insufficient evidence to determine its impact on protein function and/or cancer risk.

CHEO Genetics Diagnostic Laboratory, Children's Hospital of Eastern Ontario
Classification: Uncertain significance for Breast and/or ovarian cancer. Last evaluated: 2020-11-06. Review status: criteria provided, single submitter. Criteria: ACMG Guidelines, 2015. Collection method: clinical testing. Allele origin: germline.

Laboratory for Molecular Medicine, Mass General Brigham Personalized Medicine
Classification: Uncertain significance. Last evaluated: 2018-10-17. Review status: criteria provided, single submitter. Criteria: LMM Criteria. Collection method: clinical testing. Allele origin: germline. Observed: 1 variant allele.
Comment: The p.Ala1347Pro variant in MSH6 has not been reported in the literature in indi viduals with MSH6-associated cancers, but has been reported by other clinical la boratories in ClinVar (Variation ID: 182650). This variant has also been identif ied in 1/111534 European chromosomes by gnomAD. Computational prediction tools and conservation analysis suggest that the p.A la1347Pro variant may not impact the protein, though this information is not pre dictive enough to rule out pathogenicity. In summary, the clinical significance of the p.Ala1347Pro variant is uncertain. ACMG/AMP Criteria applied: BP4, PM2.

Counsyl
Classification: Uncertain significance for Lynch syndrome 5. Last evaluated: 2018-04-09. Review status: no assertion criteria provided. Collection method: clinical testing. Allele origin: unknown. Not counted in ClinVar's aggregate classification.